The following is an entry in ClinVar:

NM_003482.4(KMT2D):c.5980G>A (p.Asp1994Asn)

Gene: KMT2D (lysine methyltransferase 2D; minus strand). Cytogenetic location: 12q13.12.
Variant type: single nucleotide variant.
Coding change: c.5980G>A on transcript NM_003482.4 (MANE Select); coding-DNA position 5980, G replaced by A.
Protein change: p.Asp1994Asn; replaces aspartic acid 1994 with asparagine.
Molecular consequence: missense variant.
Genome position (GRCh38, 1-based): chr12:49,042,218, C>T on the plus strand (G>A on the coding strand, the complement: KMT2D is on the minus strand). VCF-style: chr12-49042218-C-T. GRCh37 (hg19) VCF-style: chr12-49436001-C-T.
Other names: short protein forms D1994N.
Identifiers: ClinVar variation 2720513 (VCV002720513.4), dbSNP rs750877938, ClinGen allele CA6547387.
Genomic context (GRCh38, chr12:49,042,218, plus strand): 5'-GGCCCAACTCCTCATCCTTCTCCCAGCGCTGAAGACTCCGCTGGTTATAGGAGAGTCCGT[C>T]GCCCTCACCCTCCGTGGTGGGGGTTGTGGGGGTGGAGGGCGTGGTGCCACCTGAGCCCGT-3'
Protein context (NP_003473.3, residues 1984-2004): PTTPTTEGEG[Asp1994Asn]GLSYNQRSLQ

ClinVar aggregate classification (germline): Uncertain significance. Review status: criteria provided, multiple submitters, no conflicts (2 of 4 stars). 2 submissions from 2 submitters: Uncertain significance (2). Last evaluated 2023-11-27.

Conditions:
Kabuki syndrome 1 (KABUK1). Also called: KMT2D-Related Kabuki Syndrome. Identifiers: Orphanet 2322, MedGen CN030661, MONDO:0007843, OMIM 147920.
Choanal atresia-athelia-hypothyroidism-delayed puberty-short stature syndrome (BCAHH). Also called: BRANCHIAL ARCH ABNORMALITIES, CHOANAL ATRESIA, ATHELIA, HEARING LOSS, AND HYPOTHYROIDISM SYNDROME. Identifiers: Orphanet 589856, MedGen C5680310, MONDO:0035651, OMIM 620186.
Kabuki syndrome. Also called: Kabuki make-up syndrome; NIIKAWA-KUROKI SYNDROME. Identifiers: Orphanet 2322, MedGen C0796004, MONDO:0016512.

Allele frequency attached by ClinVar (database versions not stated): gnomAD exomes 0.00001; ExAC 0.00002.
gnomAD v4.1: 13 of 1,601,430 alleles (0.00081%); highest among the groups gnomAD compares: South Asian, 0.0011%; no homozygotes.

Submissions (2):

Labcorp Genetics (formerly Invitae), Labcorp
Classification: Uncertain significance for Kabuki syndrome. Last evaluated: 2023-11-27. Review status: criteria provided, single submitter. Criteria: Invitae Variant Classification Sherloc (09022015). Collection method: clinical testing. Allele origin: germline.
Comment: This sequence change replaces aspartic acid, which is acidic and polar, with asparagine, which is neutral and polar, at codon 1994 of the KMT2D protein (p.Asp1994Asn). The frequency data for this variant in the population databases is considered unreliable, as metrics indicate poor data quality at this position in the gnomAD database. This missense change has been observed in individual(s) with developmental disorders (PMID: 29276005). Advanced modeling of protein sequence and biophysical properties (such as structural, functional, and spatial information, amino acid conservation, physicochemical variation, residue mobility, and thermodynamic stability) performed at Invitae indicates that this missense variant is not expected to disrupt KMT2D protein function with a negative predictive value of 95%. In summary, the available evidence is currently insufficient to determine the role of this variant in disease. Therefore, it has been classified as a Variant of Uncertain Significance.

Juno Genomics, Hangzhou Juno Genomics, Inc
Classification: Uncertain significance for Choanal atresia-athelia-hypothyroidism-delayed puberty-short stature syndrome; Kabuki syndrome 1. Review status: criteria provided, single submitter. Criteria: ACMG Guidelines, 2015. Collection method: clinical testing. Allele origin: germline.
Comment: Absent from controls (or at extremely low frequency if recessive) in Genome Aggregation Database.;Missense variant in a gene that has a low rate of benign missense variation.

Literature cited by the submitters: PubMed 29276005 (cited by Labcorp Genetics (formerly Invitae), Labcorp).